The following is an entry in ClinVar:

ClinVar aggregate classification (germline): Likely pathogenic (1 of 4 stars; one submission).

Conditions:
Childhood-onset schizophrenia. Also called: Childhood schizophrenia. Identifiers: Orphanet 641496, MedGen C0036346, MONDO:0957430.

Allele frequency attached by ClinVar (database versions not stated): gnomAD exomes below 0.00001.
gnomAD v4.1: 3 of 1,535,974 alleles (0.0002%); highest among the groups gnomAD compares: Non-Finnish European, 0.000088%; no homozygotes.

Submission:

Dr. Guy Rouleau's laboratory, McGill University
Classification: Likely pathogenic for Childhood Onset Schizophrenia. Last evaluated: 2014-01-01. Review status: criteria provided, single submitter. Criteria: Submitter's publication. Collection method: research. Allele origin: de novo. Affected: yes. Observed: 1 variant allele.
Comment: Identified by next generation sequencing and validated by Sanger sequencing

NM_198993.5(STAC2):c.257G>A (p.Arg86Lys)

Gene: STAC2 (SH3 and cysteine rich domain 2; minus strand). Cytogenetic location: 17q12.
Variant type: single nucleotide variant.
Coding change: c.257G>A on transcript NM_198993.5 (MANE Select); coding-DNA position 257, G replaced by A.
Protein change: p.Arg86Lys; replaces arginine 86 with lysine.
Molecular consequence: missense variant. On other transcripts: intron variant (1).
Genome position (GRCh38, 1-based): chr17:39,218,007, C>T on the plus strand (G>A on the coding strand, the complement: STAC2 is on the minus strand). VCF-style: chr17-39218007-C-T. GRCh37 (hg19) VCF-style: chr17-37374260-C-T.
Other names: c.-30+62G>A (NM_001351360.2); short protein forms R86K.
Identifiers: ClinVar variation 208390 (VCV000208390.3), dbSNP rs863223351, ClinGen allele CA279843.